The following is an entry in ClinVar:

ClinVar aggregate classification (germline): Uncertain significance (1 of 4 stars; one submission).

Conditions:
Cardiovascular phenotype. Identifiers: MedGen CN230736.

Submission:

Ambry Genetics
Classification: Uncertain significance for Cardiovascular phenotype. Last evaluated: 2026-04-02. Review status: criteria provided, single submitter. Criteria: Ambry Variant Classification Scheme 2023. Collection method: clinical testing. Allele origin: germline.
Comment: The p.F60V variant (also known as c.178T>G), located in coding exon 1 of the GATAD1 gene, results from a T to G substitution at nucleotide position 178. The phenylalanine at codon 60 is replaced by valine, an amino acid with highly similar properties. This amino acid position is conserved. In addition, the in silico prediction for this alteration is inconclusive. Based on the available evidence, the clinical significance of this variant remains unclear.

NM_021167.5(GATAD1):c.178T>G (p.Phe60Val)

Genes: GATAD1 (GATA zinc finger domain containing 1; plus strand), LOC129998793 (ATAC-STARR-seq lymphoblastoid silent region 18371; plus strand). Cytogenetic location: 7q21.2.
Variant type: single nucleotide variant.
Coding change: c.178T>G on transcript NM_021167.5 (MANE Select); coding-DNA position 178, T replaced by G.
Protein change: p.Phe60Val; replaces phenylalanine 60 with valine.
Molecular consequence: missense variant. On other transcripts: non-coding transcript variant (1).
Genome position (GRCh38, 1-based): chr7:92,447,907, T>G. VCF-style: chr7-92447907-T-G. GRCh37 (hg19) VCF-style: chr7-92077221-T-G.
Other names: short protein forms F60V.
Identifiers: ClinVar variation 4857889 (VCV004857889.1).